The following is an entry in ClinVar:

ClinVar aggregate classification (germline): Uncertain significance. Review status: criteria provided, multiple submitters, no conflicts (2 of 4 stars). 2 submissions from 2 submitters: Uncertain significance (2). Last evaluated 2026-07-06.

Conditions:
Carney complex, type 1 (CNC1). Also called: CARNEY MYXOMA-ENDOCRINE COMPLEX; CARNEY COMPLEX, TYPE I. Identifiers: Orphanet 1359, MedGen C2607929, MONDO:0008057, OMIM 160980.
Hereditary cancer-predisposing syndrome. Also called: Hereditary neoplastic syndrome; Neoplastic Syndromes, Hereditary; Tumor predisposition; Hereditary Cancer Syndrome. Identifiers: Orphanet 140162, MedGen C0027672, MeSH D009386, MONDO:0015356.

gnomAD v4.1: 1 of 1,613,776 alleles (0.000062%); highest among the groups gnomAD compares: Admixed American, 0.0017%; no homozygotes.

Submissions (2):

Ambry Genetics
Classification: Uncertain significance for Hereditary cancer-predisposing syndrome. Last evaluated: 2026-07-06. Review status: criteria provided, single submitter. Criteria: Ambry Variant Classification Scheme 2023. Collection method: clinical testing. Allele origin: germline.
Comment: The p.D143G variant (also known as c.428A>G), located in coding exon 3 of the PRKAR1A gene, results from an A to G substitution at nucleotide position 428. The aspartic acid at codon 143 is replaced by glycine, an amino acid with similar properties. This amino acid position is conserved. In addition, this alteration is predicted to be deleterious by in silico analysis. Based on the available evidence, the clinical significance of this variant remains unclear.

Labcorp Genetics (formerly Invitae), Labcorp
Classification: Uncertain significance for Carney complex, type 1. Last evaluated: 2024-07-30. Review status: criteria provided, single submitter. Criteria: Invitae Variant Classification Sherloc (09022015). Collection method: clinical testing. Allele origin: germline.
Comment: This sequence change replaces aspartic acid, which is acidic and polar, with glycine, which is neutral and non-polar, at codon 143 of the PRKAR1A protein (p.Asp143Gly). This variant is present in population databases (no rsID available, gnomAD 0.003%). This variant has not been reported in the literature in individuals affected with PRKAR1A-related conditions. Advanced modeling of protein sequence and biophysical properties (such as structural, functional, and spatial information, amino acid conservation, physicochemical variation, residue mobility, and thermodynamic stability) performed at Invitae indicates that this missense variant is not expected to disrupt PRKAR1A protein function with a negative predictive value of 80%. In summary, the available evidence is currently insufficient to determine the role of this variant in disease. Therefore, it has been classified as a Variant of Uncertain Significance.

NM_002734.5(PRKAR1A):c.428A>G (p.Asp143Gly)

Gene: PRKAR1A (protein kinase cAMP-dependent type I regulatory subunit alpha; plus strand). Cytogenetic location: 17q24.2.
Variant type: single nucleotide variant.
Coding change: c.428A>G on transcript NM_002734.5 (MANE Select); coding-DNA position 428, A replaced by G.
Protein change: p.Asp143Gly; replaces aspartic acid 143 with glycine.
Molecular consequence: missense variant.
Genome position (GRCh38, 1-based): chr17:68,523,804, A>G. VCF-style: chr17-68523804-A-G. GRCh37 (hg19) VCF-style: chr17-66519945-A-G.
Other names: c.428A>G (NM_002734.3); c.428A>G, p.Asp143Gly (NM_001276289.2, NM_001276290.1, NM_001278433.2 and 4 more transcripts); short protein forms D143G.
Identifiers: ClinVar variation 3620562 (VCV003620562.3).